The following is an entry in ClinVar:

ClinVar aggregate classification (germline): Uncertain significance. Review status: criteria provided, multiple submitters, no conflicts (2 of 4 stars). 5 submissions from 5 submitters: Uncertain significance (5). Last evaluated 2023-07-10.

Conditions:
Mucopolysaccharidosis, MPS-III-A (MPS3A). Also called: MUCOPOLYSACCHARIDOSIS, TYPE IIIA, ATTENUATED; Mucopolysaccharidosis type IIIA (Sanfilippo A); mucopolysaccharidosis type 3A; MPS IIIA (Sanfilippo Syndrome Type A); MPS III A; HEPARAN SULFATE SULFATASE DEFICIENCY. Identifiers: Orphanet 581, Orphanet 79269, MedGen C0086647, MONDO:0009655, OMIM 252900.
Inborn genetic diseases. Identifiers: MedGen C0950123, MeSH D030342.

Allele frequency attached by ClinVar (database versions not stated): TOPMed 0.00008; gnomAD exomes 0.00004 and 0.00005; ExAC 0.00005; gnomAD 0.00009; ESP Exome Variant Server 0.00023.
gnomAD v4.1: 65 of 1,605,718 alleles (0.004%); highest among the groups gnomAD compares: Non-Finnish European, 0.0055%; no homozygotes.

Submissions (5):

Blueprint Genetics
Classification: Uncertain significance. Last evaluated: 2023-07-10. Review status: criteria provided, single submitter. Criteria: ACMG Guidelines, 2015. Collection method: clinical testing. Allele origin: germline.

Labcorp Genetics (formerly Invitae), Labcorp
Classification: Uncertain significance for Mucopolysaccharidosis, MPS-III-A. Last evaluated: 2022-09-13. Review status: criteria provided, single submitter. Criteria: Invitae Variant Classification Sherloc (09022015). Collection method: clinical testing. Allele origin: germline.
Comment: This sequence change replaces glutamic acid, which is acidic and polar, with lysine, which is basic and polar, at codon 488 of the SGSH protein (p.Glu488Lys). This variant is present in population databases (rs145645179, gnomAD 0.01%). This variant has not been reported in the literature in individuals affected with SGSH-related conditions. ClinVar contains an entry for this variant (Variation ID: 325826). Advanced modeling of protein sequence and biophysical properties (such as structural, functional, and spatial information, amino acid conservation, physicochemical variation, residue mobility, and thermodynamic stability) performed at Invitae indicates that this missense variant is not expected to disrupt SGSH protein function. In summary, the available evidence is currently insufficient to determine the role of this variant in disease. Therefore, it has been classified as a Variant of Uncertain Significance.

Genome-Nilou Lab
Classification: Uncertain significance for Mucopolysaccharidosis, MPS-III-A. Last evaluated: 2021-11-07. Review status: criteria provided, single submitter. Criteria: ACMG Guidelines, 2015. Collection method: clinical testing. Allele origin: germline. Affected: no.

Ambry Genetics
Classification: Uncertain significance for Inborn genetic diseases. Last evaluated: 2021-09-17. Review status: criteria provided, single submitter. Criteria: Ambry Variant Classification Scheme 2023. Collection method: clinical testing. Allele origin: germline.

Illumina Laboratory Services, Illumina
Classification: Uncertain significance for Mucopolysaccharidosis, MPS-III-A. Last evaluated: 2018-01-13. Review status: criteria provided, single submitter. Criteria: ICSL Variant Classification Criteria 13 December 2019. Collection method: clinical testing. Allele origin: germline.

NM_000199.5(SGSH):c.1462G>A (p.Glu488Lys)

Gene: SGSH (N-sulfoglucosamine sulfohydrolase; minus strand). Cytogenetic location: 17q25.3.
Variant type: single nucleotide variant.
Coding change: c.1462G>A on transcript NM_000199.5 (MANE Select); coding-DNA position 1462, G replaced by A.
Protein change: p.Glu488Lys; replaces glutamic acid 488 with lysine.
Molecular consequence: missense variant. On other transcripts: 3 prime UTR variant (2), non-coding transcript variant (1).
Genome position (GRCh38, 1-based): chr17:80,210,499, C>T on the plus strand (G>A on the coding strand, the complement: SGSH is on the minus strand). VCF-style: chr17-80210499-C-T. GRCh37 (hg19) VCF-style: chr17-78184298-C-T.
Other names: c.*549G>A (NM_001352921.3); c.*512G>A (NM_001352922.2); short protein forms E488K.
Identifiers: ClinVar variation 325826 (VCV000325826.10), dbSNP rs145645179, ClinGen allele CA8817573.